The following is an entry in ClinVar:

NC_000007.14:g.(?_103589576)_(103610827_?)dup

Gene: RELN (reelin; minus strand). Cytogenetic location: 7q22.1.
Variant type: Duplication.
Identifiers: ClinVar variation 831042 (VCV000831042.5).

ClinVar aggregate classification (germline): Likely pathogenic (1 of 4 stars; one submission).

Conditions:
Familial temporal lobe epilepsy 7. Identifiers: Orphanet 101046, MedGen C4225327, MONDO:0014639, OMIM 616436.
Norman-Roberts syndrome (LIS2). Also called: Lissencephaly 2 (Norman-Roberts type). Identifiers: Orphanet 89844, MedGen C0796089, MONDO:0009760, OMIM 257320.

Submission:

Labcorp Genetics (formerly Invitae), Labcorp
Classification: Likely pathogenic for Familial temporal lobe epilepsy 7; Norman-Roberts syndrome. Last evaluated: 2019-10-23. Review status: criteria provided, single submitter. Criteria: Invitae Variant Classification Sherloc (09022015). Collection method: clinical testing. Allele origin: germline.
Comment: In summary, the currently available evidence indicates that the variant is pathogenic, but additional data are needed to prove that conclusively. Therefore, this variant has been classified as Likely Pathogenic. Loss-of-function variants in RELN are known to be pathogenic (PMID: 10973257, 26046367, 28454995). This variant has not been reported in the literature in individuals with RELN-related conditions. This variant results in a copy number gain of the genomic region encompassing exons 22-28 of the RELN gene. While the exact position of this variant cannot be determined from this data, sub-genic copy number gains are generally in tandem (PMID: 25640679) and may result in an absent or disrupted protein product.

Literature cited by the submitters: PubMed 10973257; PubMed 26046367; PubMed 28454995; PubMed 25640679.